The following is an entry in ClinVar:

NM_001367561.1(DOCK7):c.5059C>T (p.Arg1687Ter)

Gene: DOCK7 (dedicator of cytokinesis 7; minus strand). Cytogenetic location: 1p31.3.
Variant type: single nucleotide variant.
Coding change: c.5059C>T on transcript NM_001367561.1 (MANE Select); coding-DNA position 5059, C replaced by T.
Protein change: p.Arg1687Ter; replaces arginine 1687 with a stop codon.
Molecular consequence: nonsense.
Genome position (GRCh38, 1-based): chr1:62,494,433, G>A on the plus strand (C>T on the coding strand, the complement: DOCK7 is on the minus strand). VCF-style: chr1-62494433-G-A. GRCh37 (hg19) VCF-style: chr1-62960104-G-A.
Other names: c.4939C>T, p.Arg1647Ter (NM_001272001.2, NM_001272000.2); c.5032C>T, p.Arg1678Ter (NM_001330614.2, NM_001271999.2); c.4966C>T, p.Arg1656Ter (NM_033407.4); short protein forms R1647*, R1678*, R1687*, R1656*.
Identifiers: ClinVar variation 1455645 (VCV001455645.6), dbSNP rs2149298999, ClinGen allele CA340612296.
Genomic context (GRCh38, chr1:62,494,433, plus strand): 5'-CTTCAGCATGATTGCTTCGTTCTGAGTGCTTGCCTGCCATGTTCTGCAACCAGGTCAATC[G>A]CAGATCTGGAGAGGTCTGGTAACCCTTGGCAATTCTAATTAGAACAGAAATTCTTCTCCA-3'

ClinVar aggregate classification (germline): Pathogenic (1 of 4 stars; one submission).

Conditions:
Developmental and epileptic encephalopathy, 23 (DEE23). Also called: Epileptic encephalopathy, early infantile, 23. Identifiers: Orphanet 411986, MedGen C4014492, MONDO:0014371, OMIM 615859.

gnomAD v4.1: 3 of 1,612,266 alleles (0.00019%); highest among the groups gnomAD compares: Non-Finnish European, 0.00017%; no homozygotes.

Submission:

Labcorp Genetics (formerly Invitae), Labcorp
Classification: Pathogenic for Developmental and epileptic encephalopathy, 23. Last evaluated: 2022-11-22. Review status: criteria provided, single submitter. Criteria: Invitae Variant Classification Sherloc (09022015). Collection method: clinical testing. Allele origin: germline.
Comment: For these reasons, this variant has been classified as Pathogenic. Algorithms developed to predict the effect of sequence changes on RNA splicing suggest that this variant may create or strengthen a splice site. ClinVar contains an entry for this variant (Variation ID: 1455645). This variant has not been reported in the literature in individuals affected with DOCK7-related conditions. This variant is not present in population databases (gnomAD no frequency). This sequence change creates a premature translational stop signal (p.Arg1678*) in the DOCK7 gene. It is expected to result in an absent or disrupted protein product. Loss-of-function variants in DOCK7 are known to be pathogenic (PMID: 24814191).

Literature cited by the submitters: PubMed 24814191.